The following is an entry in ClinVar:

NM_015295.3(SMCHD1):c.2064G>A (p.Arg688=)

Gene: SMCHD1 (structural maintenance of chromosomes flexible hinge domain containing 1; plus strand). Cytogenetic location: 18p11.32.
Variant type: single nucleotide variant.
Coding change: c.2064G>A on transcript NM_015295.3 (MANE Select); coding-DNA position 2064, G replaced by A.
Protein change: p.Arg688=; no amino-acid change (arginine 688 retained).
Molecular consequence: synonymous variant.
Genome position (GRCh38, 1-based): chr18:2,707,563, G>A. VCF-style: chr18-2707563-G-A. GRCh37 (hg19) VCF-style: chr18-2707561-G-A.
Identifiers: ClinVar variation 2918937 (VCV002918937.3), dbSNP rs1435128056, ClinGen allele CA502672505.

ClinVar aggregate classification (germline): Uncertain significance (1 of 4 stars; one submission).

Conditions:
Facioscapulohumeral muscular dystrophy 2 (FSHD2). Also called: MUSCULAR DYSTROPHY, FACIOSCAPULOHUMERAL, TYPE 1B; FACIOSCAPULOHUMERAL MUSCULAR DYSTROPHY 2, DIGENIC; FSHD2, DIGENIC. Identifiers: Orphanet 269, MedGen C1834671, MONDO:0008031, OMIM 158901.

Submission:

Labcorp Genetics (formerly Invitae), Labcorp
Classification: Uncertain significance for Facioscapulohumeral muscular dystrophy 2. Last evaluated: 2024-02-27. Review status: criteria provided, single submitter. Criteria: Invitae Variant Classification Sherloc (09022015). Collection method: clinical testing. Allele origin: germline.
Comment: This sequence change affects codon 688 of the SMCHD1 mRNA. It is a 'silent' change, meaning that it does not change the encoded amino acid sequence of the SMCHD1 protein. It affects a nucleotide within the consensus splice site. This variant is not present in population databases (gnomAD no frequency). This variant has not been reported in the literature in individuals affected with SMCHD1-related conditions. Algorithms developed to predict the effect of sequence changes on RNA splicing suggest that this variant may disrupt the consensus splice site. In summary, the available evidence is currently insufficient to determine the role of this variant in disease. Therefore, it has been classified as a Variant of Uncertain Significance.